The following is an entry in ClinVar:

ClinVar aggregate classification (germline): Pathogenic (1 of 4 stars; one submission).

Conditions:
Hereditary cancer-predisposing syndrome. Also called: Hereditary Cancer Syndrome; Tumor predisposition; Hereditary neoplastic syndrome; Neoplastic Syndromes, Hereditary. Identifiers: Orphanet 140162, MedGen C0027672, MeSH D009386, MONDO:0015356.

Submission:

Ambry Genetics
Classification: Pathogenic for Hereditary cancer-predisposing syndrome. Last evaluated: 2024-06-17. Review status: criteria provided, single submitter. Criteria: Ambry Variant Classification Scheme 2023. Collection method: clinical testing. Allele origin: germline.
Comment: The c.8956_8960delATACT pathogenic mutation, located in coding exon 22 of the BRCA2 gene, results from a deletion of 5 nucleotides at nucleotide positions 8956 to 8960, causing a translational frameshift with a predicted alternate stop codon (p.I2986Efs*30). This variant is considered to be rare based on population cohorts in the Genome Aggregation Database (gnomAD). This alteration is expected to result in loss of function by premature protein truncation or nonsense-mediated mRNA decay. As such, this alteration is interpreted as a disease-causing mutation.

NM_000059.4(BRCA2):c.8956_8960del (p.Ile2986fs)

Gene: BRCA2 (BRCA2 DNA repair associated; plus strand). Cytogenetic location: 13q13.1.
Variant type: Deletion.
Coding change: c.8956_8960del on transcript NM_000059.4 (MANE Select); coding-DNA positions 8956 to 8960, 5 bases deleted (ATACT; older notation c.8956_8960delATACT).
Protein change: p.Ile2986fs; shifts the reading frame from isoleucine 2986.
Molecular consequence: frameshift variant. On other transcripts: non-coding transcript variant (1), intron variant (1).
Genome position (GRCh38, 1-based): chr13:32,379,752-32,379,756, ATACT deleted; deleting any 5 consecutive bases within chr13:32,379,751-32,379,756 gives the same sequence; the c. name uses the placement nearest the transcript's 3' end. VCF-style (leftmost placement, unchanged base first): chr13-32379750-TTATAC-T. GRCh37 (hg19) VCF-style: chr13-32953887-TTATAC-T.
Other names: c.8860_8864del, p.Ile2954fs (NM_001406719.1); c.4024_4028del, p.Ile1342fs (NM_001406721.1); c.2539_2543del, p.Ile847fs (NM_001406722.1); c.8954-49_8954-45del (NM_001406720.1); short protein forms I2986fs, I847fs, I1342fs, I2954fs.
Identifiers: ClinVar variation 3261644 (VCV003261644.1).